The following is an entry in ClinVar:

NM_001244008.2(KIF1A):c.1774C>T (p.Arg592Cys)

Gene: KIF1A (kinesin family member 1A; minus strand). Cytogenetic location: 2q37.3.
Variant type: single nucleotide variant.
Coding change: c.1774C>T on transcript NM_001244008.2 (MANE Select); coding-DNA position 1774, C replaced by T.
Protein change: p.Arg592Cys; replaces arginine 592 with cysteine.
Molecular consequence: missense variant.
Genome position (GRCh38, 1-based): chr2:240,763,341, G>A on the plus strand (C>T on the coding strand, the complement: KIF1A is on the minus strand). VCF-style: chr2-240763341-G-A. GRCh37 (hg19) VCF-style: chr2-241702758-G-A.
Other names: c.1774C>T, p.Arg592Cys (NM_001320705.2, NM_001330289.2, NM_001379638.1); c.1849C>T, p.Arg617Cys (NM_001330290.2, NM_001379631.1, NM_001379634.1 and 2 more transcripts); c.1747C>T, p.Arg583Cys (NM_001379632.1, NM_001379633.1, NM_001379636.1 and 10 more transcripts); c.1822C>T, p.Arg608Cys (NM_001379637.1, NM_001379648.1); short protein forms R592C, R583C, R617C, R608C.
Identifiers: ClinVar variation 663511 (VCV000663511.8), dbSNP rs1379137279, ClinGen allele CA351327314.

ClinVar aggregate classification (germline): Uncertain significance. Review status: criteria provided, multiple submitters, no conflicts (2 of 4 stars). 2 submissions from 2 submitters: Uncertain significance (2). Last evaluated 2023-12-30.

Conditions:
Hereditary spastic paraplegia 30. Identifiers: Orphanet 101010, MedGen C5235139, MONDO:0012476.
Intellectual disability, autosomal dominant 9 (NESCAVS). Also called: NESCAV SYNDROME; KIF1A-Related Neurodevelopmental Disorder. Identifiers: Orphanet 662367, MedGen C5393830, MONDO:0013656, OMIM 614255.
Neuropathy, hereditary sensory, type 2C. Also called: Hereditary sensory and autonomic neuropathy type IIC; KIF1A-Related HSAN2 (HSAN2C). Identifiers: Orphanet 970, MedGen C3280168, MONDO:0013634, OMIM 614213.

Allele frequency attached by ClinVar (database versions not stated): TOPMed below 0.00001; gnomAD 0.00001; gnomAD exomes 0.00001.

Submissions (2):

Labcorp Genetics (formerly Invitae), Labcorp
Classification: Uncertain significance for Hereditary spastic paraplegia 30; Neuropathy, hereditary sensory, type 2C; Intellectual disability, autosomal dominant 9. Last evaluated: 2023-12-30. Review status: criteria provided, single submitter. Criteria: Invitae Variant Classification Sherloc (09022015). Collection method: clinical testing. Allele origin: germline.
Comment: This sequence change replaces arginine, which is basic and polar, with cysteine, which is neutral and slightly polar, at codon 583 of the KIF1A protein (p.Arg583Cys). The frequency data for this variant in the population databases is considered unreliable, as metrics indicate poor data quality at this position in the gnomAD database. This variant has not been reported in the literature in individuals affected with KIF1A-related conditions. ClinVar contains an entry for this variant (Variation ID: 663511). Advanced modeling of protein sequence and biophysical properties (such as structural, functional, and spatial information, amino acid conservation, physicochemical variation, residue mobility, and thermodynamic stability) performed at Invitae indicates that this missense variant is expected to disrupt KIF1A protein function with a positive predictive value of 80%. In summary, the available evidence is currently insufficient to determine the role of this variant in disease. Therefore, it has been classified as a Variant of Uncertain Significance.

GeneDx
Classification: Uncertain significance. Last evaluated: 2023-06-23. Review status: criteria provided, single submitter. Criteria: GeneDx Variant Classification Process June 2021. Collection method: clinical testing. Allele origin: germline. Affected: yes.
Comment: In silico analysis supports that this missense variant has a deleterious effect on protein structure/function; Has not been previously published as pathogenic or benign to our knowledge; This variant is associated with the following publications: (PMID: 31394400)